The following is an entry in ClinVar:

NM_000548.5(TSC2):c.1503C>T (p.Asp501=)

Gene: TSC2 (TSC complex subunit 2; plus strand). Cytogenetic location: 16p13.3.
Variant type: single nucleotide variant.
Coding change: c.1503C>T on transcript NM_000548.5 (MANE Select); coding-DNA position 1503, C replaced by T.
Protein change: p.Asp501=; no amino-acid change (aspartic acid 501 retained).
Molecular consequence: synonymous variant.
Genome position (GRCh38, 1-based): chr16:2,064,331, C>T. VCF-style: chr16-2064331-C-T. GRCh37 (hg19) VCF-style: chr16-2114332-C-T.
Other names: c.1503C>T (NM_000548.3); c.1503C>T, p.Asp501= (NM_001077183.3, NM_001114382.3, NM_001363528.2 and 3 more transcripts); c.1392C>T, p.Asp464= (NM_001318827.2); c.1356C>T, p.Asp452= (NM_001318829.2); c.903C>T, p.Asp301= (NM_001318831.2); c.1536C>T, p.Asp512= (NM_001318832.2).
Identifiers: ClinVar variation 1141225 (VCV001141225.11), dbSNP rs2087016490, ClinGen allele CA492962884.

ClinVar aggregate classification (germline): Benign/Likely benign. Review status: criteria provided, multiple submitters, no conflicts (2 of 4 stars). 3 submissions from 3 submitters: Benign (1); Likely benign (2). Last evaluated 2025-08-13.

Conditions:
Hereditary cancer-predisposing syndrome. Also called: Hereditary neoplastic syndrome; Tumor predisposition; Neoplastic Syndromes, Hereditary; Hereditary Cancer Syndrome. Identifiers: Orphanet 140162, MedGen C0027672, MeSH D009386, MONDO:0015356.
Tuberous sclerosis 2 (TSC2). Identifiers: Orphanet 805, MedGen C1860707, MONDO:0013199, OMIM 613254.

gnomAD v4.1: 1 of 1,613,850 alleles (0.000062%); highest among the groups gnomAD compares: Non-Finnish European, 0.000085%; no homozygotes.

Submissions (3):

Labcorp Genetics (formerly Invitae), Labcorp
Classification: Likely benign for Tuberous sclerosis 2. Last evaluated: 2025-08-13. Review status: criteria provided, single submitter. Criteria: Invitae Variant Classification Sherloc (09022015). Collection method: clinical testing. Allele origin: germline.

Myriad Genetics, Inc.
Classification: Benign for Tuberous sclerosis 2. Last evaluated: 2025-05-14. Review status: criteria provided, single submitter. Criteria: Myriad Autosomal Dominant, Autosomal Recessive and X-Linked Classification Criteria (2023). Collection method: clinical testing. Allele origin: unknown.
Comment: This variant is considered benign. This variant is a silent/synonymous amino acid change and it is not expected to impact splicing.

Ambry Genetics
Classification: Likely benign for Hereditary cancer-predisposing syndrome. Last evaluated: 2023-07-05. Review status: criteria provided, single submitter. Criteria: Ambry Variant Classification Scheme 2023. Collection method: clinical testing. Allele origin: germline.